The following is an entry in ClinVar:

ClinVar aggregate classification (germline): Uncertain significance. Review status: criteria provided, multiple submitters, no conflicts (2 of 4 stars). 3 submissions from 3 submitters: Uncertain significance (3). Last evaluated 2023-07-18.

Conditions:
Inborn genetic diseases. Identifiers: MedGen C0950123, MeSH D030342.

Allele frequency attached by ClinVar (database versions not stated): gnomAD exomes below 0.00001; gnomAD 0.00009; TOPMed 0.00011.
gnomAD v4.1: 21 of 1,531,192 alleles (0.0014%); highest among the groups gnomAD compares: African/African-American, 0.021%; no homozygotes.

Submissions (3):

Genetic Services Laboratory, University of Chicago
Classification: Uncertain significance. Last evaluated: 2023-07-18. Review status: criteria provided, single submitter. Criteria: ACMG Guidelines, 2015. Collection method: clinical testing. Allele origin: germline. Affected: no.
Comment: DNA sequence analysis of the PKD1 gene demonstrated a sequence change, c.2110G>A, in exon 11 that results in an amino acid change, p.Gly704Ser. This sequence change has been described in the gnomAD database in three individuals corresponding to a population frequency of 0.0096% (dbSNP rs1049286401). The p.Gly704Ser change affects a poorly conserved amino acid residue located in a domain of the PKD1 protein that is known to be functional. The p.Gly704Ser substitution appears to be benign using several in-silico pathogenicity prediction tools (SIFT, PolyPhen2, Align GVGD, REVEL). This sequence change does not appear to have been previously described in individuals with PKD1-related disorders. Due to insufficient evidence and the lack of functional studies, the clinical significance of the p.Gly704Ser change remains unknown at this time.

Athena Diagnostics
Classification: Uncertain significance. Last evaluated: 2023-01-12. Review status: criteria provided, single submitter. Criteria: Athena Diagnostics Criteria. Collection method: clinical testing. Allele origin: unknown.
Comment: Available data are insufficient to determine the clinical significance of the variant at this time. The frequency of this variant in the general population is uninformative in assessment of its pathogenicity. Computational tools yielded predictions that this variant may result in the gain of a cryptic splice site without affecting the natural splice sites.

Ambry Genetics
Classification: Uncertain significance for Inborn genetic diseases. Last evaluated: 2021-08-17. Review status: criteria provided, single submitter. Criteria: Ambry Variant Classification Scheme 2023. Collection method: clinical testing. Allele origin: germline.

NM_001009944.3(PKD1):c.2110G>A (p.Gly704Ser)

Gene: PKD1 (polycystin 1, transient receptor potential channel interacting; minus strand). Cytogenetic location: 16p13.3.
Variant type: single nucleotide variant.
Coding change: c.2110G>A on transcript NM_001009944.3 (MANE Select); coding-DNA position 2110, G replaced by A.
Protein change: p.Gly704Ser; replaces glycine 704 with serine.
Molecular consequence: missense variant.
Genome position (GRCh38, 1-based): chr16:2,114,913, C>T on the plus strand (G>A on the coding strand, the complement: PKD1 is on the minus strand). VCF-style: chr16-2114913-C-T. GRCh37 (hg19) VCF-style: chr16-2164914-C-T.
Other names: c.2110G>A, p.Gly704Ser (NM_000296.4); short protein forms G704S.
Identifiers: ClinVar variation 2246084 (VCV002246084.5), dbSNP rs1049286401, ClinGen allele CA276782886.